The following is an entry in ClinVar:

NM_000374.5(UROD):c.107T>G (p.Met36Arg)

Gene: UROD (uroporphyrinogen decarboxylase; plus strand). Cytogenetic location: 1p34.1.
Variant type: single nucleotide variant.
Coding change: c.107T>G on transcript NM_000374.5 (MANE Select); coding-DNA position 107, T replaced by G.
Protein change: p.Met36Arg; replaces methionine 36 with arginine.
Molecular consequence: missense variant. On other transcripts: non-coding transcript variant (3).
Genome position (GRCh38, 1-based): chr1:45,012,993, T>G. VCF-style: chr1-45012993-T-G. GRCh37 (hg19) VCF-style: chr1-45478665-T-G.
Other names: short protein forms M36R.
Identifiers: ClinVar variation 1485851 (VCV001485851.8), dbSNP rs1209490842, ClinGen allele CA340116302.

ClinVar aggregate classification (germline): Uncertain significance (1 of 4 stars; one submission).

Allele frequency attached by ClinVar (database versions not stated): gnomAD exomes below 0.00001; TOPMed 0.00001.
gnomAD v4.1: 1 of 1,613,934 alleles (0.000062%); highest among the groups gnomAD compares: Non-Finnish European, 0.000085%; no homozygotes.

Submission:

Labcorp Genetics (formerly Invitae), Labcorp
Classification: Uncertain significance. Last evaluated: 2021-05-27. Review status: criteria provided, single submitter. Criteria: Invitae Variant Classification Sherloc (09022015). Collection method: clinical testing. Allele origin: germline.
Comment: In summary, the available evidence is currently insufficient to determine the role of this variant in disease. Therefore, it has been classified as a Variant of Uncertain Significance. Algorithms developed to predict the effect of sequence changes on RNA splicing suggest that this variant may create or strengthen a splice site, but this prediction has not been confirmed by published transcriptional studies. Algorithms developed to predict the effect of missense changes on protein structure and function (SIFT, PolyPhen-2, Align-GVGD) all suggest that this variant is likely to be disruptive, but these predictions have not been confirmed by published functional studies and their clinical significance is uncertain. This variant has not been reported in the literature in individuals with UROD-related conditions. This variant is not present in population databases (ExAC no frequency). This sequence change replaces methionine with arginine at codon 36 of the UROD protein (p.Met36Arg). The methionine residue is highly conserved and there is a moderate physicochemical difference between methionine and arginine.